The following is an entry in ClinVar:

ClinVar aggregate classification (germline): Uncertain significance. Review status: criteria provided, multiple submitters, no conflicts (2 of 4 stars). 4 submissions from 4 submitters: Uncertain significance (3). 1 of the submissions does not count toward it. Last evaluated 2024-01-02.

Conditions:
SPINK5-related disorder. Also called: SPINK5-related condition.
Ichthyosis linearis circumflexa. Identifiers: MedGen C0265962, MONDO:0043106, HP:0025810.
Inborn genetic diseases. Identifiers: MedGen C0950123, MeSH D030342.
Netherton syndrome (NETH). Also called: ERYTHRODERMA, ICHTHYOSIFORM, WITH HYPOTRICHOSIS AND HYPER-IgE; COMEL-NETHERTON SYNDROME; NETHERTON DISEASE. Identifiers: Orphanet 634, MedGen C5574950, MONDO:0009735, OMIM 256500.

Allele frequency attached by ClinVar (database versions not stated): ExAC 0.00005; ESP Exome Variant Server 0.00008; gnomAD exomes 0.00008 and 0.00020; gnomAD 0.00011; TOPMed 0.00012.
gnomAD v4.1: 320 of 1,613,886 alleles (0.02%); highest among the groups gnomAD compares: Non-Finnish European, 0.025%; no homozygotes.

Submissions (4):

Labcorp Genetics (formerly Invitae), Labcorp
Classification: Uncertain significance for Ichthyosis linearis circumflexa. Last evaluated: 2024-01-02. Review status: criteria provided, single submitter. Criteria: Invitae Variant Classification Sherloc (09022015). Collection method: clinical testing. Allele origin: germline.
Comment: This sequence change replaces threonine, which is neutral and polar, with lysine, which is basic and polar, at codon 1038 of the SPINK5 protein (p.Thr1038Lys). This variant is present in population databases (rs370311628, gnomAD 0.01%). This variant has not been reported in the literature in individuals affected with SPINK5-related conditions. ClinVar contains an entry for this variant (Variation ID: 650296). An algorithm developed to predict the effect of missense changes on protein structure and function (PolyPhen-2) suggests that this variant is likely to be disruptive. In summary, the available evidence is currently insufficient to determine the role of this variant in disease. Therefore, it has been classified as a Variant of Uncertain Significance.

Ambry Genetics
Classification: Uncertain significance for Inborn genetic diseases. Last evaluated: 2021-08-12. Review status: criteria provided, single submitter. Criteria: Ambry Variant Classification Scheme 2023. Collection method: clinical testing. Allele origin: germline.

Illumina Laboratory Services, Illumina
Classification: Uncertain significance for Netherton syndrome. Last evaluated: 2017-04-28. Review status: criteria provided, single submitter. Criteria: ICSL Variant Classification Criteria 13 December 2019. Collection method: clinical testing. Allele origin: germline.

PreventionGenetics, part of Exact Sciences
Classification: Uncertain significance for SPINK5-related condition. Last evaluated: 2024-03-27. Review status: no assertion criteria provided. Collection method: clinical testing. Allele origin: germline. Not counted in ClinVar's aggregate classification.
Comment: The SPINK5 c.3113C>A variant is predicted to result in the amino acid substitution p.Thr1038Lys. To our knowledge, this variant has not been reported in the literature. This variant is reported in 0.018% of alleles in individuals of European (Non-Finnish) descent in gnomAD. At this time, the clinical significance of this variant is uncertain due to the absence of conclusive functional and genetic evidence.

NM_006846.4(SPINK5):c.3113C>A (p.Thr1038Lys)

Gene: SPINK5 (serine peptidase inhibitor Kazal type 5; plus strand). Cytogenetic location: 5q32.
Variant type: single nucleotide variant.
Coding change: c.3113C>A on transcript NM_006846.4 (MANE Select); coding-DNA position 3113, C replaced by A.
Protein change: p.Thr1038Lys; replaces threonine 1038 with lysine.
Molecular consequence: missense variant.
Genome position (GRCh38, 1-based): chr5:148,133,814, C>A. VCF-style: chr5-148133814-C-A. GRCh37 (hg19) VCF-style: chr5-147513377-C-A.
Other names: c.3203C>A, p.Thr1068Lys (NM_001127698.2); short protein forms T1038K, T1068K.
Identifiers: ClinVar variation 650296 (VCV000650296.14), dbSNP rs370311628, ClinGen allele CA3496257.